The following is an entry in ClinVar:

NM_000742.4(CHRNA2):c.824C>T (p.Pro275Leu)

Gene: CHRNA2 (cholinergic receptor nicotinic alpha 2 subunit; minus strand). Cytogenetic location: 8p21.2.
Variant type: single nucleotide variant.
Coding change: c.824C>T on transcript NM_000742.4 (MANE Select); coding-DNA position 824, C replaced by T.
Protein change: p.Pro275Leu; replaces proline 275 with leucine.
Molecular consequence: missense variant.
Genome position (GRCh38, 1-based): chr8:27,463,619, G>A on the plus strand (C>T on the coding strand, the complement: CHRNA2 is on the minus strand). VCF-style: chr8-27463619-G-A. GRCh37 (hg19) VCF-style: chr8-27321136-G-A.
Other names: c.779C>T, p.Pro260Leu (NM_001282455.2); c.347C>T, p.Pro116Leu (NM_001347705.2, NM_001347706.2); c.230C>T, p.Pro77Leu (NM_001347707.2, NM_001347708.2); short protein forms P116L, P260L, P275L, P77L.
Identifiers: ClinVar variation 2580689 (VCV002580689.1), dbSNP rs1812595758, ClinGen allele CA370810577.

ClinVar aggregate classification (germline): Uncertain significance (1 of 4 stars; one submission).

Submission:

GeneDx
Classification: Uncertain significance. Last evaluated: 2023-03-24. Review status: criteria provided, single submitter. Criteria: GeneDx Variant Classification Process June 2021. Collection method: clinical testing. Allele origin: germline. Affected: yes.
Comment: Not observed at significant frequency in large population cohorts (gnomAD); In silico analysis supports that this missense variant has a deleterious effect on protein structure/function; Has not been previously published as pathogenic or benign to our knowledge